The following is an entry in ClinVar:

ClinVar aggregate classification (germline): Uncertain significance (1 of 4 stars; one submission).

Submission:

GeneDx
Classification: Uncertain significance. Last evaluated: 2024-11-18. Review status: criteria provided, single submitter. Criteria: GeneDx Variant Classification Process June 2021. Collection method: clinical testing. Allele origin: germline. Affected: yes.
Comment: Not observed at significant frequency in large population cohorts (gnomAD); Frameshift variant predicted to result in abnormal protein length as the last 82 amino acid(s) are replaced with 16 different amino acid(s); Has not been previously published as pathogenic or benign to our knowledge

NM_020706.2(SCAF4):c.3198_3201del (p.Arg1066fs)

Gene: SCAF4 (SR-related CTD associated factor 4; minus strand). Cytogenetic location: 21q22.11.
Variant type: Microsatellite.
Coding change: c.3198_3201del on transcript NM_020706.2 (MANE Select); coding-DNA positions 3198 to 3201, 4 bases deleted (AGAG; older notation c.3198_3201delAGAG).
Protein change: p.Arg1066fs; shifts the reading frame from arginine 1066.
Molecular consequence: frameshift variant.
Genome position (GRCh38, 1-based): chr21:31,671,642-31,671,645, CTCT deleted on the plus strand (AGAG on the coding strand, the reverse complement: SCAF4 is on the minus strand); deleting any 4 consecutive bases within chr21:31,671,642-31,671,647 gives the same sequence; the c. name uses the placement nearest the transcript's 3' end. VCF-style (leftmost placement, unchanged base first): chr21-31671641-ACTCT-A. GRCh37 (hg19) VCF-style: chr21-33043954-ACTCT-A.
Other names: c.3153_3156del, p.Arg1051fs (NM_001145444.1); c.3132_3135del, p.Arg1044fs (NM_001145445.1); short protein forms R1044fs, R1051fs, R1066fs.
Identifiers: ClinVar variation 3900498 (VCV003900498.1).